The following is an entry in ClinVar:

ClinVar aggregate classification (germline): Uncertain significance (1 of 4 stars; one submission).

Allele frequency attached by ClinVar (database versions not stated): gnomAD 0.00001; gnomAD exomes 0.00001; TOPMed 0.00002.
gnomAD v4.1: 6 of 1,551,138 alleles (0.00039%); highest among the groups gnomAD compares: East Asian, 0.0049%; no homozygotes.

Submission:

Labcorp Genetics (formerly Invitae), Labcorp
Classification: Uncertain significance. Last evaluated: 2023-03-31. Review status: criteria provided, single submitter. Criteria: Invitae Variant Classification Sherloc (09022015). Collection method: clinical testing. Allele origin: germline.
Comment: In summary, the available evidence is currently insufficient to determine the role of this variant in disease. Therefore, it has been classified as a Variant of Uncertain Significance. Algorithms developed to predict the effect of sequence changes on RNA splicing suggest that this variant may create or strengthen a splice site. Advanced modeling of protein sequence and biophysical properties (such as structural, functional, and spatial information, amino acid conservation, physicochemical variation, residue mobility, and thermodynamic stability) performed at Invitae indicates that this missense variant is not expected to disrupt CPLANE1 protein function. This variant has not been reported in the literature in individuals affected with CPLANE1-related conditions. This variant is present in population databases (no rsID available, gnomAD 0.01%). This sequence change replaces glycine, which is neutral and non-polar, with aspartic acid, which is acidic and polar, at codon 12 of the CPLANE1 protein (p.Gly12Asp).

NM_001384732.1(CPLANE1):c.35G>A (p.Gly12Asp)

Gene: CPLANE1 (ciliogenesis and planar polarity effector complex subunit 1; minus strand). Cytogenetic location: 5p13.2.
Variant type: single nucleotide variant.
Coding change: c.35G>A on transcript NM_001384732.1 (MANE Select); coding-DNA position 35, G replaced by A.
Protein change: p.Gly12Asp; replaces glycine 12 with aspartic acid.
Molecular consequence: missense variant.
Genome position (GRCh38, 1-based): chr5:37,247,664, C>T on the plus strand (G>A on the coding strand, the complement: CPLANE1 is on the minus strand). VCF-style: chr5-37247664-C-T. GRCh37 (hg19) VCF-style: chr5-37247766-C-T.
Other names: c.35G>A, p.Gly12Asp (NM_023073.4); short protein forms G12D.
Identifiers: ClinVar variation 2732652 (VCV002732652.3), dbSNP rs1189651175, ClinGen allele CA359525249.